The following is an entry in ClinVar:

ClinVar aggregate classification (germline): Uncertain significance (1 of 4 stars; one submission).

Conditions:
Inborn genetic diseases. Identifiers: MedGen C0950123, MeSH D030342.

Submission:

Ambry Genetics
Classification: Uncertain significance for Inborn genetic diseases. Last evaluated: 2025-10-07. Review status: criteria provided, single submitter. Criteria: Ambry Variant Classification Scheme 2023. Collection method: clinical testing. Allele origin: germline.
Comment: The p.F1344V variant (also known as c.4030T>G), located in coding exon 1 of the SAMD9 gene, results from a T to G substitution at nucleotide position 4030. The phenylalanine at codon 1344 is replaced by valine, an amino acid with highly similar properties. This amino acid position is conserved. In addition, this alteration is predicted to be tolerated by in silico analysis. Based on the available evidence, the clinical significance of this variant remains unclear.

NM_017654.4(SAMD9):c.4030T>G (p.Phe1344Val)

Gene: SAMD9 (sterile alpha motif domain containing 9; minus strand). Cytogenetic location: 7q21.2.
Variant type: single nucleotide variant.
Coding change: c.4030T>G on transcript NM_017654.4 (MANE Select); coding-DNA position 4030, T replaced by G.
Protein change: p.Phe1344Val; replaces phenylalanine 1344 with valine.
Molecular consequence: missense variant.
Genome position (GRCh38, 1-based): chr7:93,102,068, A>C on the plus strand (T>G on the coding strand, the complement: SAMD9 is on the minus strand). VCF-style: chr7-93102068-A-C. GRCh37 (hg19) VCF-style: chr7-92731381-A-C.
Other names: c.4030T>G, p.Phe1344Val (NM_001193307.2); short protein forms F1344V.
Identifiers: ClinVar variation 4629854 (VCV004629854.1).